The following is an entry in ClinVar:

NM_006623.4(PHGDH):c.903T>G (p.Val301=)

Gene: PHGDH (phosphoglycerate dehydrogenase; plus strand). Cytogenetic location: 1p12.
Variant type: single nucleotide variant.
Coding change: c.903T>G on transcript NM_006623.4 (MANE Select); coding-DNA position 903, T replaced by G.
Protein change: p.Val301=; no amino-acid change (valine 301 retained).
Molecular consequence: synonymous variant.
Genome position (GRCh38, 1-based): chr1:119,737,224, T>G. VCF-style: chr1-119737224-T-G. GRCh37 (hg19) VCF-style: chr1-120279847-T-G.
Other names: p.Val301=.
Identifiers: ClinVar variation 721825 (VCV000721825.12), dbSNP rs777075726, ClinGen allele CA1037287.

ClinVar aggregate classification (germline): Likely benign. Review status: criteria provided, multiple submitters, no conflicts (2 of 4 stars). 3 submissions from 3 submitters: Likely benign (3). Last evaluated 2026-02-03.

Conditions:
PHGDH deficiency. Identifiers: Orphanet 79351, MedGen C1866174, MONDO:0011152, OMIM 601815.

Allele frequency attached by ClinVar (database versions not stated): gnomAD exomes 0.00002 and 0.00005; gnomAD 0.00003; TOPMed 0.00003; ExAC 0.00005.
gnomAD v4.1: 39 of 1,614,050 alleles (0.0024%); highest among the groups gnomAD compares: Admixed American, 0.018%; no homozygotes.

Submissions (3):

Labcorp Genetics (formerly Invitae), Labcorp
Classification: Likely benign for PHGDH deficiency. Last evaluated: 2026-02-03. Review status: criteria provided, single submitter. Criteria: Invitae Variant Classification Sherloc (09022015). Collection method: clinical testing. Allele origin: germline.

Mayo Clinic Laboratories, Mayo Clinic
Classification: Likely benign. Last evaluated: 2025-03-26. Review status: criteria provided, single submitter. Criteria: ACMG Guidelines, 2015. Collection method: clinical testing. Allele origin: germline. Observed: 1 variant allele.
Comment: BP4, BP7

Blueprint Genetics
Classification: Likely benign. Last evaluated: 2023-01-31. Review status: criteria provided, single submitter. Criteria: ACMG Guidelines, 2015. Collection method: clinical testing. Allele origin: germline.